The following is an entry in ClinVar:

ClinVar aggregate classification (germline): Uncertain significance (1 of 4 stars; one submission).

Allele frequency attached by ClinVar (database versions not stated): TOPMed 0.00001; ExAC 0.00001.
gnomAD v4.1: 6 of 1,613,546 alleles (0.00037%); highest among the groups gnomAD compares: Admixed American, 0.0067%; no homozygotes.

Submission:

Labcorp Genetics (formerly Invitae), Labcorp
Classification: Uncertain significance. Last evaluated: 2025-11-17. Review status: criteria provided, single submitter. Criteria: Invitae Variant Classification Sherloc (09022015). Collection method: clinical testing. Allele origin: germline.
Comment: This sequence change replaces threonine, which is neutral and polar, with isoleucine, which is neutral and non-polar, at codon 2423 of the ITPR1 protein (p.Thr2423Ile). This variant is present in population databases (rs755482416, gnomAD 0.009%). This variant has not been reported in the literature in individuals affected with ITPR1-related conditions. ClinVar contains an entry for this variant (Variation ID: 2986861). Invitae Evidence Modeling of protein sequence and biophysical properties (such as structural, functional, and spatial information, amino acid conservation, physicochemical variation, residue mobility, and thermodynamic stability) indicates that this missense variant is not expected to disrupt ITPR1 protein function with a negative predictive value of 95%. In summary, the available evidence is currently insufficient to determine the role of this variant in disease. Therefore, it has been classified as a Variant of Uncertain Significance.

NM_001378452.1(ITPR1):c.7457C>T (p.Thr2486Ile)

Gene: ITPR1 (inositol 1,4,5-trisphosphate receptor type 1; plus strand). Cytogenetic location: 3p26.1.
Variant type: single nucleotide variant.
Coding change: c.7457C>T on transcript NM_001378452.1 (MANE Select); coding-DNA position 7457, C replaced by T.
Protein change: p.Thr2486Ile; replaces threonine 2486 with isoleucine.
Molecular consequence: missense variant.
Genome position (GRCh38, 1-based): chr3:4,811,449, C>T. VCF-style: chr3-4811449-C-T. GRCh37 (hg19) VCF-style: chr3-4853133-C-T.
Other names: c.7313C>T, p.Thr2438Ile (NM_001099952.4); c.7412C>T, p.Thr2471Ile (NM_001168272.2); c.7268C>T, p.Thr2423Ile (NM_002222.7); short protein forms T2423I, T2438I, T2486I, T2471I.
Identifiers: ClinVar variation 2986861 (VCV002986861.3), dbSNP rs755482416, ClinGen allele CA2232835.